The following is an entry in ClinVar:

ClinVar aggregate classification (germline): Likely pathogenic (1 of 4 stars; one submission).

Conditions:
Hermansky-Pudlak syndrome (HPS). Also called: ALBINISM WITH HEMORRHAGIC DIATHESIS AND PIGMENTED RETICULOENDOTHELIAL CELLS. Identifiers: Orphanet 79430, MedGen C0079504, MONDO:0019312.

Allele frequency attached by ClinVar (database versions not stated): ESP Exome Variant Server 0.00008.
gnomAD v4.1: 4 of 1,614,158 alleles (0.00025%); highest among the groups gnomAD compares: Non-Finnish European, 0.00034%; no homozygotes.

Submission:

Women's Health and Genetics/Laboratory Corporation of America, LabCorp
Classification: Likely pathogenic for Hermansky-Pudlak syndrome. Last evaluated: 2022-06-15. Review status: criteria provided, single submitter. Criteria: LabCorp Variant Classification Summary - May 2015. Collection method: clinical testing. Allele origin: germline.
Comment: Variant summary: HPS4 c.1535C>G (p.Ser512X) results in a premature termination codon, predicted to cause a truncation of the encoded protein or absence of the protein due to nonsense mediated decay, which are commonly known mechanisms for disease. Truncations downstream of this position have been classified as pathogenic within ClinVar (e.g. c.1891C>T [p.Gln631Ter]; c.1818_1819insC [p.Tyr607fs]). The variant allele was found at a frequency of 8e-06 in 251482 control chromosomes (gnomAD). To our knowledge, no occurrence of c.1535C>G in individuals affected with Hermansky-Pudlak Syndrome and no experimental evidence demonstrating its impact on protein function have been reported. No clinical diagnostic laboratories have submitted clinical-significance assessments for this variant to ClinVar after 2014. Based on the evidence outlined above, the variant was classified as likely pathogenic.

NM_022081.6(HPS4):c.1535C>G (p.Ser512Ter)

Gene: HPS4 (HPS4 biogenesis of lysosomal organelles complex 3 subunit 2; minus strand). Cytogenetic location: 22q12.1.
Variant type: single nucleotide variant.
Coding change: c.1535C>G on transcript NM_022081.6 (MANE Select); coding-DNA position 1535, C replaced by G.
Protein change: p.Ser512Ter; replaces serine 512 with a stop codon.
Molecular consequence: nonsense. On other transcripts: non-coding transcript variant (8).
Genome position (GRCh38, 1-based): chr22:26,464,095, G>C on the plus strand (C>G on the coding strand, the complement: HPS4 is on the minus strand). VCF-style: chr22-26464095-G-C. GRCh37 (hg19) VCF-style: chr22-26860061-G-C.
Other names: c.1535C>G, p.Ser512Ter (NM_001349896.1, NM_001349898.2, NM_001349899.2 and 4 more transcripts); c.1589C>G, p.Ser530Ter (NM_001349900.2, NM_001349901.1); c.1520C>G, p.Ser507Ter (NM_152841.2); short protein forms S507*, S512*, S530*.
Identifiers: ClinVar variation 1698570 (VCV001698570.3), dbSNP rs150216540, ClinGen allele CA10163296.